The following is an entry in ClinVar:

ClinVar aggregate classification (germline): Uncertain significance (1 of 4 stars; one submission).

gnomAD v4.1: 35 of 1,613,746 alleles (0.0022%); highest among the groups gnomAD compares: South Asian, 0.011%; no homozygotes.

Submission:

GeneDx
Classification: Uncertain significance. Last evaluated: 2024-07-10. Review status: criteria provided, single submitter. Criteria: GeneDx Variant Classification Process June 2021. Collection method: clinical testing. Allele origin: germline. Affected: yes.
Comment: In silico analysis indicates that this missense variant does not alter protein structure/function; Has not been previously published as pathogenic or benign to our knowledge

NM_016239.4(MYO15A):c.7211C>T (p.Ala2404Val)

Gene: MYO15A (myosin XVA; plus strand). Cytogenetic location: 17p11.2.
Variant type: single nucleotide variant.
Coding change: c.7211C>T on transcript NM_016239.4 (MANE Select); coding-DNA position 7211, C replaced by T.
Protein change: p.Ala2404Val; replaces alanine 2404 with valine.
Molecular consequence: missense variant.
Genome position (GRCh38, 1-based): chr17:18,149,579, C>T. VCF-style: chr17-18149579-C-T. GRCh37 (hg19) VCF-style: chr17-18052893-C-T.
Other names: short protein forms A2404V.
Identifiers: ClinVar variation 3572534 (VCV003572534.1).